The following is an entry in ClinVar:

ClinVar aggregate classification (germline): Likely pathogenic (1 of 4 stars; one submission).

Conditions:
Dystonia 28, childhood-onset (DYT28). Also called: KMT2B-Related Dystonia (DYT-KMT2B). Identifiers: Orphanet 589618, MedGen C4310633, MONDO:0015004, OMIM 617284.

Submission:

3billion
Classification: Likely pathogenic for Dystonia 28, childhood-onset. Last evaluated: 2021-10-02. Review status: criteria provided, single submitter. Criteria: ACMG Guidelines, 2015. Collection method: clinical testing. Allele origin: germline. Affected: yes. Observed: 1 heterozygote.
Comment: It is not observed in the gnomAD v2.1.1 dataset (PM2). The variant was observed as assumed (i.e. paternity and maternity not confirmed) de novoo (3billion dataset, PM6). In silico tool predictions suggest damaging effect of the variant on gene or gene product (REVEL: 0.855, 3Cnet: 0.980, PP3). Patient's phenotype is considered compatible with Dystonia 28, childhood-onset (3billion dataset, PP4). Therefore, this variant is classified as pathogenic according to the recommendation of ACMG/AMP guideline.

NM_014727.3(KMT2B):c.7984C>T (p.Arg2662Trp)

Gene: KMT2B (lysine methyltransferase 2B; plus strand). Cytogenetic location: 19q13.12.
Variant type: single nucleotide variant.
Coding change: c.7984C>T on transcript NM_014727.3 (MANE Select); coding-DNA position 7984, C replaced by T.
Protein change: p.Arg2662Trp; replaces arginine 2662 with tryptophan.
Molecular consequence: missense variant.
Genome position (GRCh38, 1-based): chr19:35,738,393, C>T. VCF-style: chr19-35738393-C-T. GRCh37 (hg19) VCF-style: chr19-36229294-C-T.
Other names: short protein forms R2662W.
Identifiers: ClinVar variation 1320082 (VCV001320082.1), dbSNP rs2146483064, ClinGen allele CA405440414.